The following is an entry in ClinVar:

NM_005633.4(SOS1):c.1867T>A (p.Phe623Ile)

Gene: SOS1 (SOS Ras/Rac guanine nucleotide exchange factor 1; minus strand). Cytogenetic location: 2p22.1.
Variant type: single nucleotide variant.
Coding change: c.1867T>A on transcript NM_005633.4 (MANE Select); coding-DNA position 1867, T replaced by A.
Protein change: p.Phe623Ile; replaces phenylalanine 623 with isoleucine.
Molecular consequence: missense variant.
Genome position (GRCh38, 1-based): chr2:39,014,838, A>T on the plus strand (T>A on the coding strand, the complement: SOS1 is on the minus strand). VCF-style: chr2-39014838-A-T. GRCh37 (hg19) VCF-style: chr2-39241979-A-T.
Other names: c.1846T>A, p.Phe616Ile (NM_001382394.1); c.1867T>A, p.Phe623Ile (NM_001382395.1); short protein forms F623I, F616I.
Identifiers: ClinVar variation 636262 (VCV000636262.10), dbSNP rs727505093, ClinGen allele CA346365197.
Genomic context (GRCh38, chr2:39,014,838, plus strand): 5'-GACTCAGTAGTTCTTGAGGTTTGCAAAAGGATCTGTATGTTGTAAGAAATGTCCGAACAA[A>T]ATTGGGATCTAAGAAGAAAAAGGAAAAATATCTTATTAAACTCTATGATTCAAAATGATT-3'
Protein context (NP_005624.2, residues 613-633): LTYHMYADPN[Phe623Ile]VRTFLTTYRS

ClinVar aggregate classification (germline): Likely pathogenic. Review status: reviewed by expert panel (3 of 4 stars). 6 submissions from 6 submitters: Likely pathogenic (1). 5 of the submissions do not count toward it. Last evaluated 2019-02-28.

Conditions:
Fibromatosis, gingival, 1 (GINGF1). Identifiers: Orphanet 2024, MedGen C4551558, MONDO:0007609, OMIM 135300.
Noonan syndrome 4 (NS4). Also called: NOONAN SYNDROME WITH PIGMENTED VILLONODULAR SYNOVITIS; SOS1-Related Noonan Syndrome. Identifiers: Orphanet 648, MedGen C1853120, MONDO:0012547, OMIM 610733.
Noonan syndrome 1 (NS1). Also called: FEMALE PSEUDO-TURNER SYNDROME; TURNER PHENOTYPE WITH NORMAL KARYOTYPE; PTPN11-Related Noonan Syndrome. Identifiers: Orphanet 648, MedGen C4551602, MONDO:0008104, OMIM 163950. Disease mechanism: gain of function.
Noonan syndrome and Noonan-related syndrome. Identifiers: Orphanet 98733, MedGen C5681679, MONDO:0020297.

Submissions (6):

ClinGen RASopathy Variant Curation Expert Panel
Classification: Likely pathogenic for Noonan syndrome and Noonan-related syndrome. Last evaluated: 2019-02-28. Review status: reviewed by expert panel. Criteria: ClinGen RASopathy ACMG Specifications v1. Collection method: curation. Allele origin: germline. Inheritance: Autosomal dominant inheritance.
Comment: The c.1867T>A (p.Phe623Ile) variant in SOS1 has been reported as a confirmed de novo occurrence in a patient with clinical features of Noonan syndrome (PS2; PMID 17586837, 20673819). The p.Phe623Ile variant has also been identified in another independent occurrence in a patient with clinical features of Noonan syndrome (PS4_Supporting; PMID 20673819). This variant was absent from large population studies (PM2; gnomAD). Computational prediction tools and conservation analysis suggest that the p.Phe623Ile variant may impact the protein (PP3). The variant is located in the SOS1 gene, which has been defined by the ClinGen RASopathy Expert Panel as a gene with a low rate of benign missense variants and pathogenic missense variants are common (PP2; PMID: 29493581). Of note, two different pathogenic missense variants have been previously reported at this codon of SOS1 (p.Phe623Val and p.Phe623Glu) which may indicate that this residue is critical to the function of the protein, however these variants have not yet met the criteria to be classified as pathogenic (PM5 not met). In summary, this variant meets criteria to be classified as likely pathogenic for RASopathies in an autosomal dominant manner. RASopathy-specific ACMG/AMP criteria applied (PMID:29493581): PS2, PS4_Supporting, PM2, PP2, PP3.

Greenwood Genetic Center Diagnostic Laboratories, Greenwood Genetic Center
Classification: Pathogenic for Noonan syndrome 4. Last evaluated: 2023-04-12. Review status: criteria provided, single submitter. Criteria: ACMG Guidelines, 2015. Collection method: clinical testing. Allele origin: germline. Affected: yes. Not counted in ClinVar's aggregate classification.
Comment: PS2, PS4_Moderate, PM2, PP2, PP3

GeneDx
Classification: Pathogenic. Last evaluated: 2023-04-05. Review status: criteria provided, single submitter. Criteria: GeneDx Variant Classification Process June 2021. Collection method: clinical testing. Allele origin: germline. Affected: yes. Not counted in ClinVar's aggregate classification.
Comment: Not observed at significant frequency in large population cohorts (gnomAD); Missense variants in this gene are often considered pathogenic (HGMD); In silico analysis supports that this missense variant has a deleterious effect on protein structure/function; This variant is associated with the following publications: (PMID: 24803665, 29493581, 17586837, 20673819)

Genome Diagnostics Laboratory, The Hospital for Sick Children
Classification: Likely pathogenic for Noonan syndrome and Noonan-related syndrome. Last evaluated: 2020-07-13. Review status: criteria provided, single submitter. Criteria: ACMG Guidelines, 2015. Collection method: clinical testing. Allele origin: germline. Affected: yes. Not counted in ClinVar's aggregate classification.

Centre for Mendelian Genomics, University Medical Centre Ljubljana
Classification: Likely pathogenic for Fibromatosis, gingival, 1. Last evaluated: 2020-03-28. Review status: criteria provided, single submitter. Criteria: ACMG Guidelines, 2015. Collection method: clinical testing. Allele origin: unknown. Affected: yes. Not counted in ClinVar's aggregate classification.
Comment: This variant was classified as: Likely pathogenic. The following ACMG criteria were applied in classifying this variant: PS2_Mod,PS4_Mod,PM2,PP2,PP3.

Institute for Genomic Statistics and Bioinformatics, University Hospital Bonn
Classification: Pathogenic for Noonan syndrome 1. Review status: criteria provided, single submitter. Criteria: ACMG Guidelines, 2015. Collection method: clinical testing. Allele origin: unknown. Affected: yes. Observed: 1 variant allele. Not counted in ClinVar's aggregate classification.

Literature cited by the submitters: PubMed 17586837 (cited by ClinGen RASopathy Variant Curation Expert Panel); PubMed 20673819 (cited by ClinGen RASopathy Variant Curation Expert Panel).